The following is an entry in ClinVar:

NM_173598.6(KSR2):c.111C>A (p.Asn37Lys)

Gene: KSR2 (kinase suppressor of ras 2; minus strand). Cytogenetic location: 12q24.23.
Variant type: single nucleotide variant.
Coding change: c.111C>A on transcript NM_173598.6 (MANE Select); coding-DNA position 111, C replaced by A.
Protein change: p.Asn37Lys; replaces asparagine 37 with lysine.
Molecular consequence: missense variant.
Genome position (GRCh38, 1-based): chr12:117,968,145, G>T on the plus strand (C>A on the coding strand, the complement: KSR2 is on the minus strand). VCF-style: chr12-117968145-G-T. GRCh37 (hg19) VCF-style: chr12-118405950-G-T.
Other names: short protein forms N37K.
Identifiers: ClinVar variation 2527363 (VCV002527363.4), dbSNP rs764021316, ClinGen allele CA6816452.
Genomic context (GRCh38, chr12:117,968,145, plus strand): 5'-CCGGATTTCTTTTTGTGTGAGGTCGTTGGAGGTAGCACATTTGGTCCTAAGCCCTTCCAG[G>T]TTGGAGATGCTCAAGTCTATCATGTTTTGGACCAGTTCGCACTGCTGTAAGGCTTTTTGC-3'
Protein context (NP_775869.4, residues 27-47): VQNMIDLSIS[Asn37Lys]LEGLRTKCAT

ClinVar aggregate classification (germline): Uncertain significance. Review status: criteria provided, multiple submitters, no conflicts (2 of 4 stars). 2 submissions from 2 submitters: Uncertain significance (2). Last evaluated 2026-03-10.

Conditions:
KSR2-related disorder. Also called: KSR2-related condition.

Allele frequency attached by ClinVar (database versions not stated): gnomAD exomes below 0.00001; ExAC 0.00001.
gnomAD v4.1: 3 of 1,611,556 alleles (0.00019%); highest among the groups gnomAD compares: Non-Finnish European, 0.00025%; no homozygotes.

Submissions (2):

PreventionGenetics, part of Exact Sciences
Classification: Uncertain significance for KSR2-related condition. Last evaluated: 2026-03-10. Review status: criteria provided, single submitter. Criteria: ACMG Guidelines, 2015. Collection method: clinical testing. Allele origin: germline.
Comment: The KSR2 c.24C>A variant is predicted to result in the amino acid substitution p.Asn8Lys. To our knowledge, this variant has not been reported in the literature. This variant is reported in 0.0016% of alleles in individuals of European (non-Finnish) descent in gnomAD. At this time, the clinical significance of this variant is uncertain due to the absence of conclusive functional and genetic evidence.

Ambry Genetics
Classification: Uncertain significance. Last evaluated: 2023-05-23. Review status: criteria provided, single submitter. Criteria: Ambry Variant Classification Scheme 2023. Collection method: clinical testing. Allele origin: germline.